The following is an entry in ClinVar:

ClinVar aggregate classification (germline): Uncertain significance (0 of 4 stars; one submission).

Allele frequency attached by ClinVar (database versions not stated): gnomAD 0.00001; ExAC 0.00004; gnomAD exomes 0.00004 and 0.00006; TOPMed 0.00005; ESP Exome Variant Server 0.00008.
gnomAD v4.1: 93 of 1,612,518 alleles (0.0058%); highest among the groups gnomAD compares: Non-Finnish European, 0.0075%; no homozygotes.

Submission:

Department of Pathology and Laboratory Medicine, Sinai Health System
Classification: Uncertain significance. Review status: no assertion criteria provided. Collection method: clinical testing. Allele origin: unknown. Affected: yes. Study: The Canadian Open Genetics Repository (COGR).
Comment: The SMARCAD1 p.Thr971Ala variant was not identified in the literature nor was it identified in ClinVar. The variant was identified in dbSNP (ID: rs150777961) and in control databases in 11 of 251182 chromosomes at a frequency of 0.00004379 (Genome Aggregation Database March 6, 2019, v2.1.1). The variant was observed in the following populations: African in 2 of 16242 chromosomes (freq: 0.000123) and European (non-Finnish) in 9 of 113682 chromosomes (freq: 0.000079), but was not observed in the Latino, Ashkenazi Jewish, East Asian, European (Finnish), Other, or South Asian populations. The p.Thr971 residue is conserved across mammals and other organisms, and four out of five computational analyses (PolyPhen-2, SIFT, AlignGVGD, BLOSUM, MutationTaster) suggest that the variant may impact the protein; however, this information is not predictive enough to assume pathogenicity. The variant occurs outside of the splicing consensus sequence and in silico or computational prediction software programs (SpliceSiteFinder, MaxEntScan, NNSPLICE, GeneSplicer) do not predict a difference in splicing. In summary, based on the above information the clinical significance of this variant cannot be determined with certainty at this time. This variant is classified as a variant of uncertain significance.

NM_020159.5(SMARCAD1):c.2905A>G (p.Thr969Ala)

Gene: SMARCAD1 (SNF2 related chromatin remodeling ATPase with DExD box 1; plus strand). Cytogenetic location: 4q22.3.
Variant type: single nucleotide variant.
Coding change: c.2905A>G on transcript NM_020159.5 (MANE Select); coding-DNA position 2905, A replaced by G.
Protein change: p.Thr969Ala; replaces threonine 969 with alanine.
Molecular consequence: missense variant. On other transcripts: non-coding transcript variant (16).
Genome position (GRCh38, 1-based): chr4:94,283,299, A>G. VCF-style: chr4-94283299-A-G. GRCh37 (hg19) VCF-style: chr4-95204450-A-G.
Other names: c.2911A>G, p.Thr971Ala (NM_001128429.3, NM_001128430.2); c.1615A>G, p.Thr539Ala (NM_001254949.2); c.2905A>G, p.Thr969Ala (NM_001375855.1, NM_001375856.1); c.2902A>G, p.Thr968Ala (NM_001375857.1); c.2884A>G, p.Thr962Ala (NM_001375858.1); c.1621A>G, p.Thr541Ala (NM_001375859.1); short protein forms T539A, T541A, T962A, T968A, T969A, T971A.
Identifiers: ClinVar variation 1049737 (VCV001049737.1), dbSNP rs150777961, ClinGen allele CA3013661.